The following is an entry in ClinVar:

ClinVar aggregate classification (germline): Likely benign (1 of 4 stars; one submission).

Submission:

CeGaT Center for Human Genetics Tuebingen
Classification: Likely benign. Last evaluated: 2023-02-01. Review status: criteria provided, single submitter. Criteria: CeGaT Center For Human Genetics Tuebingen Variant Classification Criteria Version 2. Collection method: clinical testing. Allele origin: germline. Affected: yes. Observed: 1 variant allele.
Comment: OFD1: PM2:Supporting, BP4, BP7

NM_003611.3(OFD1):c.1944T>C (p.Ala648=)

Gene: OFD1 (OFD1 centriole and centriolar satellite protein; plus strand). Cytogenetic location: Xp22.2.
Variant type: single nucleotide variant.
Coding change: c.1944T>C on transcript NM_003611.3 (MANE Select); coding-DNA position 1944, T replaced by C.
Protein change: p.Ala648=; no amino-acid change (alanine 648 retained).
Molecular consequence: synonymous variant.
Genome position (GRCh38, 1-based): chrX:13,760,404, T>C. VCF-style: chrX-13760404-T-C. GRCh37 (hg19) VCF-style: chrX-13778523-T-C.
Other names: c.1824T>C, p.Ala608= (NM_001330209.2); c.1524T>C, p.Ala508= (NM_001330210.2).
Identifiers: ClinVar variation 2660032 (VCV002660032.24), dbSNP rs2518938908, ClinGen allele CA515623798.